The following is an entry in ClinVar:

NM_000030.3(AGXT):c.304G>T (p.Val102Phe)

Gene: AGXT (alanine--glyoxylate aminotransferase; plus strand). Cytogenetic location: 2q37.3.
Variant type: single nucleotide variant.
Coding change: c.304G>T on transcript NM_000030.3 (MANE Select); coding-DNA position 304, G replaced by T.
Protein change: p.Val102Phe; replaces valine 102 with phenylalanine.
Molecular consequence: missense variant.
Genome position (GRCh38, 1-based): chr2:240,869,308, G>T. VCF-style: chr2-240869308-G-T. GRCh37 (hg19) VCF-style: chr2-241808725-G-T.
Other names: short protein forms V102F.
Identifiers: ClinVar variation 969010 (VCV000969010.4), dbSNP rs2058978746, ClinGen allele CA351313773.
Genomic context (GRCh38, chr2:240,869,308, plus strand): 5'-GGACACTGTGCCCTGGAGGCCGCCCTGGTCAATGTGCTGGAGCCTGGGGACTCCTTCCTG[G>T]TTGGGGCCAATGGCATTTGGGGGCAGCGAGCCGTGGACATCGGGGAGCGCATAGGTAAGG-3'
Protein context (NP_000021.1, residues 92-112): NVLEPGDSFL[Val102Phe]GANGIWGQRA

ClinVar aggregate classification (germline): Uncertain significance (1 of 4 stars; one submission).

Allele frequency attached by ClinVar (database versions not stated): gnomAD exomes below 0.00001.
gnomAD v4.1: 1 of 1,612,480 alleles (0.000062%); highest among the groups gnomAD compares: African/African-American, 0.0013%; no homozygotes.

Submission:

Labcorp Genetics (formerly Invitae), Labcorp
Classification: Uncertain significance. Last evaluated: 2021-08-24. Review status: criteria provided, single submitter. Criteria: Invitae Variant Classification Sherloc (09022015). Collection method: clinical testing. Allele origin: germline.
Comment: This sequence change replaces valine with phenylalanine at codon 102 of the AGXT protein (p.Val102Phe). The valine residue is moderately conserved and there is a small physicochemical difference between valine and phenylalanine. This variant is not present in population databases (ExAC no frequency). This variant has not been reported in the literature in individuals affected with AGXT-related conditions. Algorithms developed to predict the effect of missense changes on protein structure and function are either unavailable or do not agree on the potential impact of this missense change (SIFT: "Deleterious"; PolyPhen-2: "Possibly Damaging"; Align-GVGD: "Class C0"). In summary, the available evidence is currently insufficient to determine the role of this variant in disease. Therefore, it has been classified as a Variant of Uncertain Significance.